The following is an entry in ClinVar:

NM_078480.3(PUF60):c.1347_1348del (p.Met450fs)

Gene: PUF60 (poly(U) binding splicing factor 60; minus strand). Cytogenetic location: 8q24.3.
Variant type: Microsatellite.
Coding change: c.1347_1348del on transcript NM_078480.3 (MANE Select); coding-DNA positions 1347 to 1348, 2 bases deleted (CA; older notation c.1347_1348delCA).
Protein change: p.Met450fs; shifts the reading frame from methionine 450.
Molecular consequence: frameshift variant.
Genome position (GRCh38, 1-based): chr8:143,816,942-143,816,943, TG deleted on the plus strand (CA on the coding strand, the reverse complement: PUF60 is on the minus strand); deleting any 2 consecutive bases within chr8:143,816,942-143,816,946 gives the same sequence; the c. name uses the placement nearest the transcript's 3' end. VCF-style (leftmost placement, unchanged base first): chr8-143816941-ATG-A. GRCh37 (hg19) VCF-style: chr8-144899111-ATG-A.
Other names: c.1218_1219del, p.Met407fs (NM_001136033.3); c.1293_1294del, p.Met432fs (NM_001271096.2); c.1209_1210del, p.Met404fs (NM_001271097.2); c.1344_1345del, p.Met449fs (NM_001271098.2); c.1260_1261del, p.Met421fs (NM_001271099.2); c.1167_1168del, p.Met390fs (NM_001271100.2); c.1458_1459del, p.Met487fs (NM_001362895.2, NM_001362896.2); c.1407_1408del, p.Met470fs (NM_001362897.2); and 1 more; short protein forms M390fs, M404fs, M407fs, M421fs, M432fs, M433fs, M449fs, M450fs.
Identifiers: ClinVar variation 3776139 (VCV003776139.1).
Genomic context (GRCh38, chr8:143,816,941, plus strand): 5'-CCCCGCCACCACCCTGCCCCTCTGCCTACCTCCTGCTTGCGGAGCAGCTTCTGCATCACC[ATG>A]TGTCGGGCGCTACTGCCCGAGATGCTCATGTGCTCCTGCTCGCTCAGCATCTCTGGCCGC-3'

ClinVar aggregate classification (germline): Likely pathogenic (1 of 4 stars; one submission).

Conditions:
8q24.3 microdeletion syndrome. Also called: CHROMOSOME 8q24.3 DELETION SYNDROME; Verheij syndrome. Identifiers: Orphanet 508488, MedGen C3810023, MONDO:0014263, OMIM 615583.

Submission:

3billion
Classification: Likely pathogenic for 8q24.3 microdeletion syndrome. Last evaluated: 2023-10-31. Review status: criteria provided, single submitter. Criteria: ACMG Guidelines, 2015. Collection method: clinical testing. Allele origin: germline. Affected: yes.
Comment: The variant is not observed in the gnomAD v2.1.1 dataset. Predicted Consequence/Location: Frameshift: predicted to result in a loss or disruption of normal protein function through protein truncation. Multiple pathogenic variants are reported in the predicted truncated region. Damaging effect on gene or gene product predicted by in silico programs is uncertain. Therefore, this variant is classified as Likely pathogenic according to the recommendation of ACMG/AMP guideline.